The following is an entry in ClinVar:

ClinVar aggregate classification (germline): Benign (0 of 4 stars; one submission).

Conditions:
PEAK1-related disorder. Also called: PEAK1-related condition.

Allele frequency attached by ClinVar (database versions not stated): gnomAD exomes 0.00083; ExAC 0.00177; ESP Exome Variant Server 0.00406; gnomAD 0.00429; TOPMed 0.00485; 1000 Genomes Project 0.00639; 1000 Genomes Project 30x 0.00703.
gnomAD v4.1: 1,947 of 1,614,094 alleles (0.12%); highest among the groups gnomAD compares: African/African-American, 1.4%; 7 homozygotes.

Submission:

PreventionGenetics, part of Exact Sciences
Classification: Benign for PEAK1-related condition. Last evaluated: 2019-08-13. Review status: no assertion criteria provided. Collection method: clinical testing. Allele origin: germline.
Comment: This variant is classified as benign based on ACMG/AMP sequence variant interpretation guidelines (Richards et al. 2015 PMID: 25741868, with internal and published modifications).

NM_001385026.1(PEAK1):c.3498G>C (p.Glu1166Asp)

Gene: PEAK1 (pseudopodium enriched atypical kinase 1; minus strand). Cytogenetic location: 15q24.3.
Variant type: single nucleotide variant.
Coding change: c.3498G>C on transcript NM_001385026.1 (MANE Select); coding-DNA position 3498, G replaced by C.
Protein change: p.Glu1166Asp; replaces glutamic acid 1166 with aspartic acid.
Molecular consequence: missense variant.
Genome position (GRCh38, 1-based): chr15:77,133,584, C>G on the plus strand (G>C on the coding strand, the complement: PEAK1 is on the minus strand). VCF-style: chr15-77133584-C-G. GRCh37 (hg19) VCF-style: chr15-77425926-C-G.
Other names: c.3498G>C, p.Glu1166Asp (NM_001387085.1, NM_001387086.1, NM_024776.5); short protein forms E1166D.
Identifiers: ClinVar variation 3035720 (VCV003035720.2), dbSNP rs75883407, ClinGen allele CA7676758.